The following is an entry in ClinVar:

NM_033305.3(VPS13A):c.4357T>A (p.Leu1453Ile)

Gene: VPS13A (vacuolar protein sorting 13 homolog A; plus strand). Cytogenetic location: 9q21.2.
Variant type: single nucleotide variant.
Coding change: c.4357T>A on transcript NM_033305.3 (MANE Select); coding-DNA position 4357, T replaced by A.
Protein change: p.Leu1453Ile; replaces leucine 1453 with isoleucine.
Molecular consequence: missense variant.
Genome position (GRCh38, 1-based): chr9:77,314,609, T>A. VCF-style: chr9-77314609-T-A. GRCh37 (hg19) VCF-style: chr9-79929525-T-A.
Other names: c.4240T>A, p.Leu1414Ile (NM_001018037.2); c.4357T>A, p.Leu1453Ile (NM_001018038.3, NM_015186.4); c.4357T>A (NM_033305.2); short protein forms L1414I, L1453I.
Identifiers: ClinVar variation 2053971 (VCV002053971.6), dbSNP rs138643170, ClinGen allele CA5092499.

ClinVar aggregate classification (germline): Uncertain significance. Review status: criteria provided, multiple submitters, no conflicts (2 of 4 stars). 4 submissions from 4 submitters: Uncertain significance (4). Last evaluated 2025-11-30.

Conditions:
Inborn genetic diseases. Identifiers: MedGen C0950123, MeSH D030342.

Allele frequency attached by ClinVar (database versions not stated): TOPMed 0.00005; ExAC 0.00006; gnomAD 0.00006; gnomAD exomes 0.00007; ESP Exome Variant Server 0.00008.
gnomAD v4.1: 113 of 1,612,074 alleles (0.007%); highest among the groups gnomAD compares: Non-Finnish European, 0.0091%; no homozygotes.

Submissions (4):

Labcorp Genetics (formerly Invitae), Labcorp
Classification: Uncertain significance. Last evaluated: 2025-11-30. Review status: criteria provided, single submitter. Criteria: Invitae Variant Classification Sherloc (09022015). Collection method: clinical testing. Allele origin: germline.
Comment: This sequence change replaces leucine, which is neutral and non-polar, with isoleucine, which is neutral and non-polar, at codon 1453 of the VPS13A protein (p.Leu1453Ile). This variant is present in population databases (rs138643170, gnomAD 0.01%). This variant has not been reported in the literature in individuals affected with VPS13A-related conditions. ClinVar contains an entry for this variant (Variation ID: 2053971). Invitae Evidence Modeling of protein sequence and biophysical properties (such as structural, functional, and spatial information, amino acid conservation, physicochemical variation, residue mobility, and thermodynamic stability) indicates that this missense variant is expected to disrupt VPS13A protein function with a positive predictive value of 80%. In summary, the available evidence is currently insufficient to determine the role of this variant in disease. Therefore, it has been classified as a Variant of Uncertain Significance.

Ambry Genetics
Classification: Uncertain significance for Inborn genetic diseases. Last evaluated: 2025-03-07. Review status: criteria provided, single submitter. Criteria: Ambry Variant Classification Scheme 2023. Collection method: clinical testing. Allele origin: germline.

Women's Health and Genetics/Laboratory Corporation of America, LabCorp
Classification: Uncertain significance. Last evaluated: 2025-01-07. Review status: criteria provided, single submitter. Criteria: LabCorp Variant Classification Summary - May 2015. Collection method: clinical testing. Allele origin: germline.
Comment: Variant summary: VPS13A c.4357T>A (p.Leu1453Ile) results in a conservative amino acid change in the encoded protein sequence. Three of five in-silico tools predict a benign effect of the variant on protein function. The variant allele was found at a frequency of 5.2e-05 in 249738 control chromosomes. This frequency is not significantly higher than estimated for a pathogenic variant in VPS13A causing Choreoacanthocytosis (5.2e-05 vs 0.0011), allowing no conclusion about variant significance. To our knowledge, no occurrence of c.4357T>A in individuals affected with Choreoacanthocytosis and no experimental evidence demonstrating its impact on protein function have been reported. ClinVar contains an entry for this variant (Variation ID: 2053971). Based on the evidence outlined above, the variant was classified as uncertain significance.

GeneDx
Classification: Uncertain significance. Last evaluated: 2024-07-24. Review status: criteria provided, single submitter. Criteria: GeneDx Variant Classification Process June 2021. Collection method: clinical testing. Allele origin: germline. Affected: yes.
Comment: Not observed at significant frequency in large population cohorts (gnomAD); In silico analysis indicates that this missense variant does not alter protein structure/function; Has not been previously published as pathogenic or benign to our knowledge